The following is an entry in ClinVar:

ClinVar aggregate classification (germline): Pathogenic. Review status: criteria provided, multiple submitters, no conflicts (2 of 4 stars). 2 submissions from 2 submitters: Pathogenic (2). Last evaluated 2026-08-26.

Conditions:
Neurofibromatosis, type 1 (NF1). Also called: VON RECKLINGHAUSEN DISEASE; Peripheral type neurofibromatosis; NEUROFIBROMATOSIS, TYPE I, SOMATIC; Neurofibromatosis, type I. Identifiers: Orphanet 636, MedGen C0027831, MONDO:0018975, OMIM 162200. Disease mechanism: loss of function.
Hereditary cancer-predisposing syndrome. Also called: Hereditary Cancer Syndrome; Hereditary neoplastic syndrome; Neoplastic Syndromes, Hereditary; Tumor predisposition. Identifiers: Orphanet 140162, MedGen C0027672, MeSH D009386, MONDO:0015356.
Cardiovascular phenotype. Identifiers: MedGen CN230736.

Submissions (2):

Ambry Genetics
Classification: Pathogenic for Cardiovascular phenotype; Hereditary cancer-predisposing syndrome. Last evaluated: 2026-08-26. Review status: criteria provided, single submitter. Criteria: Ambry Variant Classification Scheme 2023. Collection method: clinical testing. Allele origin: germline.
Comment: The c.98_99delAA pathogenic mutation, located in coding exon 2 of the NF1 gene, results from a deletion of two nucleotides at nucleotide positions 98 to 99, causing a translational frameshift with a predicted alternate stop codon (p.K33Sfs*4). This variant was reported in individual(s) with features consistent with neurofibromatosis type 1 (NF1) (Wimmer K et al. Genes Chromosomes Cancer, 2006 Mar;45:265-76; Ambry internal data). This variant is considered to be rare based on population cohorts in the Genome Aggregation Database (gnomAD). This alteration is expected to result in loss of function by premature protein truncation or nonsense-mediated mRNA decay. As such, this alteration is interpreted as a disease-causing mutation.

Labcorp Genetics (formerly Invitae), Labcorp
Classification: Pathogenic for Neurofibromatosis, type 1. Last evaluated: 2023-12-29. Review status: criteria provided, single submitter. Criteria: Invitae Variant Classification Sherloc (09022015). Collection method: clinical testing. Allele origin: germline.
Comment: This sequence change creates a premature translational stop signal (p.Lys33Serfs*4) in the NF1 gene. It is expected to result in an absent or disrupted protein product. Loss-of-function variants in NF1 are known to be pathogenic (PMID: 10712197, 23913538). This variant is not present in population databases (gnomAD no frequency). This premature translational stop signal has been observed in individual(s) with neurofibromatosis type 1 (PMID: 21278392). For these reasons, this variant has been classified as Pathogenic.

Literature cited by the submitters: PubMed 16283621 (cited by Ambry Genetics); PubMed 10712197 (cited by Labcorp Genetics (formerly Invitae), Labcorp); PubMed 23913538 (cited by Labcorp Genetics (formerly Invitae), Labcorp); PubMed 21278392 (cited by Labcorp Genetics (formerly Invitae), Labcorp).

NM_001042492.3(NF1):c.98_99del (p.Lys33fs)

Gene: NF1 (neurofibromin 1; plus strand). Cytogenetic location: 17q11.2.
Variant type: Deletion.
Coding change: c.98_99del on transcript NM_001042492.3 (MANE Select); coding-DNA positions 98 to 99, 2 bases deleted (AA; older notation c.98_99delAA).
Protein change: p.Lys33fs; shifts the reading frame from lysine 33.
Molecular consequence: frameshift variant.
Genome position (GRCh38, 1-based): chr17:31,156,020-31,156,021, AA deleted; deleting any 2 consecutive bases within chr17:31,156,019-31,156,021 gives the same sequence; the c. name uses the placement nearest the transcript's 3' end. VCF-style (leftmost placement, unchanged base first): chr17-31156018-CAA-C. GRCh37 (hg19) VCF-style: chr17-29483036-CAA-C.
Other names: c.98_99delAA (NM_000267.3); c.98_99delAA, p.Lys33Serfs (NM_000267.4); c.98_99del, p.Lys33fs (NM_001128147.3); short protein forms K33fs.
Identifiers: ClinVar variation 2736491 (VCV002736491.4), dbSNP rs1060500320, ClinGen allele CA2695225203.